The following is an entry in ClinVar:

ClinVar aggregate classification (germline): Uncertain significance (1 of 4 stars; one submission).

Conditions:
Hereditary breast ovarian cancer syndrome. Also called: Hereditary breast and ovarian cancer syndrome; Hereditary breast and ovarian cancer; Hereditary breast and ovarian cancer syndrome (HBOC); Hereditary breast and/or ovarian cancer syndrome; Breast and ovarian cancer; BRCA1- and BRCA2-Associated Hereditary Breast and Ovarian Cancer. Identifiers: Orphanet 145, MedGen C0677776, MeSH D061325, MONDO:0003582. Disease mechanism: loss of function.

Submission:

Labcorp Genetics (formerly Invitae), Labcorp
Classification: Uncertain significance for Hereditary breast ovarian cancer syndrome. Last evaluated: 2023-05-25. Review status: criteria provided, single submitter. Criteria: Invitae Variant Classification Sherloc (09022015). Collection method: clinical testing. Allele origin: germline.
Comment: This sequence change replaces isoleucine, which is neutral and non-polar, with serine, which is neutral and polar, at codon 2397 of the BRCA2 protein (p.Ile2397Ser). This variant is not present in population databases (gnomAD no frequency). This variant has not been reported in the literature in individuals affected with BRCA2-related conditions. Advanced modeling of protein sequence and biophysical properties (such as structural, functional, and spatial information, amino acid conservation, physicochemical variation, residue mobility, and thermodynamic stability) performed at Invitae indicates that this missense variant is not expected to disrupt BRCA2 protein function. In summary, the available evidence is currently insufficient to determine the role of this variant in disease. Therefore, it has been classified as a Variant of Uncertain Significance.

NM_000059.4(BRCA2):c.7190T>G (p.Ile2397Ser)

Gene: BRCA2 (BRCA2 DNA repair associated; plus strand). Cytogenetic location: 13q13.1.
Variant type: single nucleotide variant.
Coding change: c.7190T>G on transcript NM_000059.4 (MANE Select); coding-DNA position 7190, T replaced by G.
Protein change: p.Ile2397Ser; replaces isoleucine 2397 with serine.
Molecular consequence: missense variant. On other transcripts: non-coding transcript variant (1).
Genome position (GRCh38, 1-based): chr13:32,355,043, T>G. VCF-style: chr13-32355043-T-G. GRCh37 (hg19) VCF-style: chr13-32929180-T-G.
Other names: c.7094T>G, p.Ile2365Ser (NM_001406719.1); c.7190T>G, p.Ile2397Ser (NM_001406720.1); c.2258T>G, p.Ile753Ser (NM_001406721.1); c.773T>G, p.Ile258Ser (NM_001406722.1); short protein forms I2365S, I258S, I2397S, I753S.
Identifiers: ClinVar variation 2717387 (VCV002717387.3), dbSNP rs2548540244, ClinGen allele CA387739763.